The following is an entry in ClinVar:

ClinVar aggregate classification (germline): Uncertain significance (1 of 4 stars; one submission).

gnomAD v4.1: 9 of 1,613,924 alleles (0.00056%); highest among the groups gnomAD compares: East Asian, 0.0022%; no homozygotes.

Submission:

Labcorp Genetics (formerly Invitae), Labcorp
Classification: Uncertain significance. Last evaluated: 2024-12-11. Review status: criteria provided, single submitter. Criteria: Invitae Variant Classification Sherloc (09022015). Collection method: clinical testing. Allele origin: germline.
Comment: This sequence change replaces arginine, which is basic and polar, with glutamine, which is neutral and polar, at codon 63 of the FOCAD protein (p.Arg63Gln). This variant is present in population databases (rs143009945, gnomAD 0.007%). This variant has not been reported in the literature in individuals affected with FOCAD-related conditions. Experimental studies and prediction algorithms are not available or were not evaluated, and the functional significance of this variant is currently unknown. In summary, the available evidence is currently insufficient to determine the role of this variant in disease. Therefore, it has been classified as a Variant of Uncertain Significance.

NM_001375567.1(FOCAD):c.188G>A (p.Arg63Gln)

Gene: FOCAD (focadhesin; plus strand). Cytogenetic location: 9p21.3.
Variant type: single nucleotide variant.
Coding change: c.188G>A on transcript NM_001375567.1 (MANE Select); coding-DNA position 188, G replaced by A.
Protein change: p.Arg63Gln; replaces arginine 63 with glutamine.
Molecular consequence: missense variant.
Genome position (GRCh38, 1-based): chr9:20,720,435, G>A. VCF-style: chr9-20720435-G-A. GRCh37 (hg19) VCF-style: chr9-20720434-G-A.
Other names: c.188G>A, p.Arg63Gln (NM_001375568.1, NM_001375570.1, NM_017794.5); short protein forms R63Q.
Identifiers: ClinVar variation 3626396 (VCV003626396.2).